The following is an entry in ClinVar:

NM_021625.5(TRPV4):c.1084C>T (p.Leu362=)

Gene: TRPV4 (transient receptor potential cation channel subfamily V member 4; minus strand). Cytogenetic location: 12q24.11.
Variant type: single nucleotide variant.
Coding change: c.1084C>T on transcript NM_021625.5 (MANE Select); coding-DNA position 1084, C replaced by T.
Protein change: p.Leu362=; no amino-acid change (leucine 362 retained).
Molecular consequence: synonymous variant.
Genome position (GRCh38, 1-based): chr12:109,798,682, G>A on the plus strand (C>T on the coding strand, the complement: TRPV4 is on the minus strand). VCF-style: chr12-109798682-G-A. GRCh37 (hg19) VCF-style: chr12-110236487-G-A.
Other names: c.1084C>T, p.Leu362= (NM_147204.3); c.943C>T, p.Leu315= (NM_001177428.2, NM_001177433.2); c.982C>T, p.Leu328= (NM_001177431.2).
Identifiers: ClinVar variation 3017967 (VCV003017967.4), dbSNP rs1238768782, ClinGen allele CA481867290.

ClinVar aggregate classification (germline): Likely benign. Review status: criteria provided, multiple submitters, no conflicts (2 of 4 stars). 2 submissions from 2 submitters: Likely benign (2). Last evaluated 2026-08-21.

Conditions:
TRPV4-related disorder. Also called: TRPV4-related disorders; TRPV4-related condition.
Charcot-Marie-Tooth disease axonal type 2C (HMSN2C). Also called: CHARCOT-MARIE-TOOTH DISEASE, AXONAL, AUTOSOMAL DOMINANT, TYPE 2C; Charcot-Marie-Tooth Neuropathy Type 2C; Charcot-Marie-Tooth Disease Type 2, TRPV4-Related (CMT2C). Identifiers: Orphanet 99937, MedGen C1853710, MONDO:0011633, OMIM 606071.

gnomAD v4.1: 5 of 1,613,864 alleles (0.00031%); highest among the groups gnomAD compares: Non-Finnish European, 0.00042%; no homozygotes.

Submissions (2):

PreventionGenetics, part of Exact Sciences
Classification: Likely benign for TRPV4-related condition. Last evaluated: 2026-08-21. Review status: criteria provided, single submitter. Criteria: ACMG Guidelines, 2015. Collection method: clinical testing. Allele origin: germline.
Comment: This variant is classified as likely benign based on ACMG/AMP sequence variant interpretation guidelines (Richards et al. 2015 PMID: 25741868, with internal and published modifications).

Labcorp Genetics (formerly Invitae), Labcorp
Classification: Likely benign for Charcot-Marie-Tooth disease axonal type 2C. Last evaluated: 2023-03-23. Review status: criteria provided, single submitter. Criteria: Invitae Variant Classification Sherloc (09022015). Collection method: clinical testing. Allele origin: germline.